The following is an entry in ClinVar:

NM_005032.7(PLS3):c.359C>T (p.Ser120Phe)

Gene: PLS3 (plastin 3; plus strand). Cytogenetic location: Xq23.
Variant type: single nucleotide variant.
Coding change: c.359C>T on transcript NM_005032.7 (MANE Select); coding-DNA position 359, C replaced by T.
Protein change: p.Ser120Phe; replaces serine 120 with phenylalanine.
Molecular consequence: missense variant.
Genome position (GRCh38, 1-based): chrX:115,629,319, C>T. VCF-style: chrX-115629319-C-T. GRCh37 (hg19) VCF-style: chrX-114863631-C-T.
Other names: c.359C>T, p.Ser120Phe (NM_001136025.5); c.278C>T, p.Ser93Phe (NM_001172335.3); c.293C>T, p.Ser98Phe (NM_001282337.2); c.224C>T, p.Ser75Phe (NM_001282338.2); short protein forms S120F, S75F, S93F, S98F.
Identifiers: ClinVar variation 1708112 (VCV001708112.2), dbSNP rs1305683228, ClinGen allele CA414333150.
Genomic context (GRCh38, chrX:115,629,319, plus strand): 5'-AAGAAGGTATTTGTGCTCTGGGTGGAACTTCAGAGTTGTCCAGCGAAGGAACACAGCATT[C>T]TTACTCAGGTAATCATTTTATATGCAATAGGTTAACACAATGTGCTAAGTGGGATGGTTG-3'
Protein context (NP_005023.2, residues 110-130): SELSSEGTQH[Ser120Phe]YSEEEKYAFV

ClinVar aggregate classification (germline): Uncertain significance. Review status: criteria provided, multiple submitters, no conflicts (2 of 4 stars). 2 submissions from 2 submitters: Uncertain significance (2). Last evaluated 2024-03-03.

Conditions:
Bone mineral density quantitative trait locus 18 (BMND18). Also called: Bone mineral density QTL18, osteoporosis; OSTEOPOROSIS AND OSTEOPOROTIC FRACTURES, SUSCEPTIBILITY TO. Identifiers: Orphanet 391330, MedGen C3806712, OMIM 300910.
Hernia, anterior diaphragmatic (DIH5). Identifiers: Orphanet 2140, MedGen C1844025, MONDO:0010606, OMIM 306950.

Allele frequency attached by ClinVar (database versions not stated): gnomAD exomes below 0.00001; gnomAD 0.00001; TOPMed 0.00001.
gnomAD v4.1: 4 of 1,199,258 alleles (0.00033%); highest among the groups gnomAD compares: Non-Finnish European, 0.00045%; no homozygotes.

Submissions (2):

SIB Swiss Institute of Bioinformatics
Classification: Uncertain significance for Hernia, anterior diaphragmatic. Last evaluated: 2024-03-03. Review status: criteria provided, single submitter. Criteria: ACMG Guidelines, 2015. Collection method: curation. Allele origin: unknown. Affected: yes.
Comment: This variant is interpreted for Diaphragmatic hernia 5, X-linked. The following ACMG Tag(s) were applied: Absent from controls (or at extremely low frequency if recessive) in gnomAD (PM2). Multiple lines of computational evidence support a deleterious effect on the gene or gene product (PP3).

Laboratory of Medical Genetics, National & Kapodistrian University of Athens
Classification: Uncertain significance for Bone mineral density quantitative trait locus 18. Last evaluated: 2022-06-23. Review status: criteria provided, single submitter. Criteria: ACMG Guidelines, 2015. Collection method: clinical testing. Allele origin: germline. Affected: yes.
Comment: PM2, PP3

Literature cited by the submitters: PubMed 37751738 (cited by SIB Swiss Institute of Bioinformatics).